The following is an entry in ClinVar:

ClinVar aggregate classification (germline): Likely benign (1 of 4 stars; one submission).

Allele frequency attached by ClinVar (database versions not stated): TOPMed below 0.00001.
gnomAD v4.1: 1 of 1,607,718 alleles (0.000062%); highest among the groups gnomAD compares: South Asian, 0.0011%; no homozygotes.

Submission:

GeneDx
Classification: Likely benign. Last evaluated: 2016-07-25. Review status: criteria provided, single submitter. Criteria: GeneDx Variant Classification (06012015). Collection method: clinical testing. Allele origin: germline. Affected: yes.
Comment: This variant is considered likely benign or benign based on one or more of the following criteria: it is a conservative change, it occurs at a poorly conserved position in the protein, it is predicted to be benign by multiple in silico algorithms, and/or has population frequency not consistent with disease.

NM_201596.3(CACNB2):c.804+601A>G

Gene: CACNB2 (calcium voltage-gated channel auxiliary subunit beta 2; plus strand). Cytogenetic location: 10p12.31.
Variant type: single nucleotide variant.
Coding change: c.804+601A>G on transcript NM_201596.3 (MANE Select); 601 bases into the intron after coding-DNA position 804, A replaced by G.
Molecular consequence: intron variant.
Genome position (GRCh38, 1-based): chr10:18,514,970, A>G. VCF-style: chr10-18514970-A-G. GRCh37 (hg19) VCF-style: chr10-18803899-A-G.
Other names: c.720+601A>G (NM_201571.4); c.606+440A>G (NM_001167945.2); c.587-10A>G (NM_201572.4); c.690+440A>G (NM_201593.3); c.671-10A>G (NM_201597.3); c.639+601A>G (NM_000724.4); c.525+440A>G (NM_001330060.2); c.642+601A>G (NM_201590.3); and 1 more.
Identifiers: ClinVar variation 387945 (VCV000387945.1), dbSNP rs549525106, ClinGen allele CA16605622.